The following is an entry in ClinVar:

NM_020070.4(IGLL1):c.334_336delinsACT (p.Ala112Thr)

Gene: IGLL1 (immunoglobulin lambda like polypeptide 1; minus strand). Cytogenetic location: 22q11.23.
Variant type: Indel.
Coding change: c.334_336delinsACT on transcript NM_020070.4 (MANE Select); coding-DNA positions 334 to 336, GCC replaced by ACT.
Protein change: p.Ala112Thr; replaces alanine 112 with threonine.
Molecular consequence: missense variant.
Genome position (GRCh38, 1-based): chr22:23,573,572-23,573,574, GGC replaced by AGT on the plus strand (GCC replaced by ACT on the coding strand, the reverse complement: IGLL1 is on the minus strand). VCF-style: chr22-23573572-GGC-AGT. GRCh37 (hg19) VCF-style: chr22-23915759-GGC-AGT.
Other names: c.337_339delinsACT, p.Ala113Thr (NM_001369906.1); c.218_220delinsACT, p.Gly73_His74delinsAspTyr (NM_152855.3); short protein forms A112T, A113T.
Identifiers: ClinVar variation 1162877 (VCV001162877.6), dbSNP rs2123696241, ClinGen allele CA2499226026.

ClinVar aggregate classification (germline): Uncertain significance. Review status: criteria provided, multiple submitters, no conflicts (2 of 4 stars). 2 submissions from 2 submitters: Uncertain significance (2). Last evaluated 2025-04-10.

Conditions:
Agammaglobulinemia 2, autosomal recessive (AGM2). Also called: AGAMMAGLOBULINEMIA, AUTOSOMAL RECESSIVE, DUE TO IGLL1 DEFECT. Identifiers: MedGen C3150750, MONDO:0013287, OMIM 613500.

Submissions (2):

ARUP Laboratories, Molecular Genetics and Genomics, ARUP Laboratories
Classification: Uncertain significance for Agammaglobulinemia 2, autosomal recessive. Last evaluated: 2025-04-10. Review status: criteria provided, single submitter. Criteria: ARUP Molecular Germline Variant Investigation Process 2024. Collection method: clinical testing. Allele origin: germline.
Comment: The IGLL1 c.334_336delinsACT; p.Ala112Thr variant (rs2123696241), to our knowledge, is not reported in the medical literature but is reported in ClinVar (Variation ID: 1162877). This variant is found in the Genome Aggregation Database (v2.1.1) as two constituent SNVs, c.334G>A and c.336C>T, in the general population with an overall allele frequency of 0.095% (267/282336 alleles) and 0.084% (238/282380 alleles), respectively. Computational analyses predict that the p.Ala112Thr variant is neutral (REVEL: 0.014). Due to limited information, the clinical significance of this variant is uncertain at this time.

Mayo Clinic Laboratories, Mayo Clinic
Classification: Uncertain significance. Last evaluated: 2021-03-11. Review status: criteria provided, single submitter. Criteria: ACMG Guidelines, 2015. Collection method: clinical testing. Allele origin: germline. Observed: 1 variant allele.